The following is an entry in ClinVar:

NM_001009944.3(PKD1):c.9543G>T (p.Lys3181Asn)

Gene: PKD1 (polycystin 1, transient receptor potential channel interacting; minus strand). Cytogenetic location: 16p13.3.
Variant type: single nucleotide variant.
Coding change: c.9543G>T on transcript NM_001009944.3 (MANE Select); coding-DNA position 9543, G replaced by T.
Protein change: p.Lys3181Asn; replaces lysine 3181 with asparagine.
Molecular consequence: missense variant.
Genome position (GRCh38, 1-based): chr16:2,100,421, C>A on the plus strand (G>T on the coding strand, the complement: PKD1 is on the minus strand). VCF-style: chr16-2100421-C-A. GRCh37 (hg19) VCF-style: chr16-2150422-C-A.
Other names: c.9543G>T, p.Lys3181Asn (NM_000296.4); short protein forms K3181N.
Identifiers: ClinVar variation 3254843 (VCV003254843.3), dbSNP rs2092047055.

ClinVar aggregate classification (germline): Likely pathogenic (1 of 4 stars; one submission).

Conditions:
Polycystic kidney disease, adult type (PKD1). Also called: Polycystic Kidney Disease 1, Autosomal Dominant; Polycystic kidney disease 1; Polycystic kidney disease 1, severe; POLYCYSTIC KIDNEY DISEASE 1 WITH OR WITHOUT POLYCYSTIC LIVER DISEASE; POLYCYSTIC KIDNEY DISEASE, ADULT, TYPE I; Polycystic Kidney, Autosomal Dominant. Identifiers: MedGen C3149841, MONDO:0008263, OMIM 173900.

Submission:

Victorian Clinical Genetics Services, Murdoch Childrens Research Institute
Classification: Likely pathogenic for Polycystic kidney disease, adult type. Last evaluated: 2024-10-06. Review status: criteria provided, single submitter. Criteria: ACMG Guidelines, 2015. Collection method: clinical testing. Allele origin: germline. Affected: yes.
Comment: This variant is classified as Likely pathogenic. Evidence in support of pathogenic classification: Variant is present in gnomAD <0.001 for a dominant condition (v4: 1 heterozygote(s), 0 homozygote(s); This variant has limited previous evidence of pathogenicity in an unrelated individual. This variant has been reported in one family with autosomal dominant polycystic kidney disease; however, the segregation of this variant with disease in this family was unclear (PMID: 22508176, 23431072); Additional information: Variant is predicted to result in a missense amino acid change from lysine to asparagine; This variant is heterozygous; This gene is associated with autosomal dominant disease. Polycystic kidney disease 1 (MIM#173900) is predominantly caused by monoallelic variants, with rare reports of biallelic variants causing disease (OMIM); No published functional evidence has been identified for this variant; No comparable missense variants have previous evidence for pathogenicity; Variant is located in the annotated PLAT/LH2 domain (DECIPHER). This domain has been shown to be important in the regulation of PKD1 function; however, this variant is not located at one of the residues critical for binding to substrates (PMID: 26311459); Missense variant with conflicting in silico predictions and uninformative conservation; Loss of function is a known mechanism of disease in this gene and is associated with polycystic kidney disease 1 (MIM#173900).

Literature cited by the submitters: PubMed 26311459; PubMed 23431072; PubMed 22508176.